The following is an entry in ClinVar:

NC_012920.1(MT-TS1):m.7471C>A

Gene: MT-TS1 (mitochondrially encoded tRNA serine 1 (UCN); minus strand).
Variant type: single nucleotide variant.
Genome position: chrM-7471-C-A.
Identifiers: ClinVar variation 690028 (VCV000690028.1), dbSNP rs397515726, ClinGen allele CA913177136.
Genomic context (GRCh38, chrMT:7,471, plus strand): 5'-ACACATTCGAAGAACCCGTATACATAAAATCTAGACAAAAAAGGAAGGAATCGAACCCCC[C>A]AAAGCTGGTTTCAAGCCAACCCCATGGCCTCCATGACTTTTTCAAAAAGGTATTAGAAAA-3'

ClinVar aggregate classification (germline): Likely benign (1 of 4 stars; one submission).

Conditions:
MELAS syndrome (MELAS). Also called: Juvenile myopathy, encephalopathy, lactic acidosis, stroke. Identifiers: Orphanet 550, MedGen C0162671, MONDO:0010789, OMIM 540000.

Submission:

Wong Mito Lab, Molecular and Human Genetics, Baylor College of Medicine
Classification: Likely benign for MELAS syndrome. Last evaluated: 2019-07-12. Review status: criteria provided, single submitter. Criteria: Modified ACMG Guidelines (Unpublished). Collection method: clinical testing. Allele origin: germline.
Comment: The NC_012920.1:m.7471C>A variant in MT-TS1 gene is interpreted to be a Likely Benign variant based on the modified ACMG guidelines (unpublished). This variant meets the following evidence codes reported in the guidelines: BS2, BP4

Literature cited by the submitters: PubMed 31965079.